The following is an entry in ClinVar:

ClinVar aggregate classification (germline): Uncertain significance. Review status: criteria provided, multiple submitters, no conflicts (2 of 4 stars). 3 submissions from 3 submitters: Uncertain significance (3). Last evaluated 2024-06-17.

Conditions:
Familial adenomatous polyposis 1 (FAP1). Also called: FAMILIAL ADENOMATOUS POLYPOSIS 1, ATTENUATED; POLYPOSIS, ADENOMATOUS INTESTINAL. Identifiers: MedGen C2713442, MONDO:0021056, OMIM 175100. Disease mechanism: loss of function.
Classic or attenuated familial adenomatous polyposis. Identifiers: MedGen CN372698, MONDO:0021057.
Hereditary cancer-predisposing syndrome. Also called: Neoplastic Syndromes, Hereditary; Tumor predisposition; Hereditary neoplastic syndrome; Hereditary Cancer Syndrome. Identifiers: Orphanet 140162, MedGen C0027672, MeSH D009386, MONDO:0015356.

Submissions (3):

Labcorp Genetics (formerly Invitae), Labcorp
Classification: Uncertain significance for Familial adenomatous polyposis 1. Last evaluated: 2024-06-17. Review status: criteria provided, single submitter. Criteria: Invitae Variant Classification Sherloc (09022015). Collection method: clinical testing. Allele origin: germline.
Comment: This sequence change replaces glycine, which is neutral and non-polar, with arginine, which is basic and polar, at codon 116 of the APC protein (p.Gly116Arg). This variant is not present in population databases (gnomAD no frequency). This variant has not been reported in the literature in individuals affected with APC-related conditions. ClinVar contains an entry for this variant (Variation ID: 837824). Advanced modeling of protein sequence and biophysical properties (such as structural, functional, and spatial information, amino acid conservation, physicochemical variation, residue mobility, and thermodynamic stability) performed at Invitae indicates that this missense variant is not expected to disrupt APC protein function with a negative predictive value of 95%. In summary, the available evidence is currently insufficient to determine the role of this variant in disease. Therefore, it has been classified as a Variant of Uncertain Significance.

Ambry Genetics
Classification: Uncertain significance for Hereditary cancer-predisposing syndrome. Last evaluated: 2024-01-11. Review status: criteria provided, single submitter. Criteria: Ambry Variant Classification Scheme 2023. Collection method: clinical testing. Allele origin: germline.
Comment: The p.G116R variant (also known as c.346G>C), located in coding exon 3 of the APC gene, results from a G to C substitution at nucleotide position 346. The glycine at codon 116 is replaced by arginine, an amino acid with dissimilar properties. This amino acid position is highly conserved in available vertebrate species. In addition, in silico predictors for this gene do not accurately predict pathogenicity. Since supporting evidence is limited at this time, the clinical significance of this alteration remains unclear.

All of Us Research Program, National Institutes of Health
Classification: Uncertain significance for Classic or attenuated familial adenomatous polyposis. Last evaluated: 2023-03-09. Review status: criteria provided, single submitter. Criteria: ACMG Guidelines, 2015. Collection method: clinical testing. Allele origin: germline. Inheritance: Autosomal dominant inheritance. Observed: 1 variant allele, 1 heterozygote.
Comment: This missense variant replaces glycine with arginine at codon 116 of the APC protein. Computational prediction is inconclusive regarding the impact of this variant on protein structure and function (internally defined REVEL score threshold 0.5 < inconclusive < 0.7, PMID: 27666373). To our knowledge, functional studies have not been reported for this variant. This variant has not been reported in individuals affected with APC-related disorders in the literature. This variant has not been identified in the general population by the Genome Aggregation Database (gnomAD). The available evidence is insufficient to determine the role of this variant in disease conclusively. Therefore, this variant is classified as a Variant of Uncertain Significance.

This study involves interpretation of variants in research participants for the purpose of population health screening. Participant phenotype was not available at the time of variant classification. Additional details can be found in publication PMID: 35346344, PMCID: PMC8962531

NM_000038.6(APC):c.346G>C (p.Gly116Arg)

Gene: APC (APC regulator of Wnt signaling pathway; plus strand). Cytogenetic location: 5q22.2.
Variant type: single nucleotide variant.
Coding change: c.346G>C on transcript NM_000038.6 (MANE Select); coding-DNA position 346, G replaced by C.
Protein change: p.Gly116Arg; replaces glycine 116 with arginine.
Molecular consequence: missense variant. On other transcripts: 5 prime UTR variant (1).
Genome position (GRCh38, 1-based): chr5:112,767,314, G>C. VCF-style: chr5-112767314-G-C. GRCh37 (hg19) VCF-style: chr5-112103011-G-C.
Other names: c.346G>C, p.Gly116Arg (NM_001127510.3, NM_001354895.2, NM_001354896.2 and 2 more transcripts); c.376G>C, p.Gly126Arg (NM_001127511.3, NM_001354897.2, NM_001354902.2); c.271G>C, p.Gly91Arg (NM_001354898.2, NM_001354904.2); c.169G>C, p.Gly57Arg (NM_001354900.2, NM_001354901.2, NM_001354905.2); c.-690G>C (NM_001354906.2); short protein forms G57R, G91R, G126R, G116R.
Identifiers: ClinVar variation 837824 (VCV000837824.13), dbSNP rs142637152, ClinGen allele CA16022078.